The following is an entry in ClinVar:

ClinVar aggregate classification (germline): Uncertain significance (1 of 4 stars; one submission).

Conditions:
Intellectual developmental disorder, autosomal recessive 47. Also called: Intellectual disability, autosomal recessive 47. Identifiers: Orphanet 88616, MedGen C4015444, MONDO:0014524, OMIM 616193.

Allele frequency attached by ClinVar (database versions not stated): gnomAD 0.00001; TOPMed 0.00002; ExAC 0.00002; gnomAD exomes 0.00013.
gnomAD v4.1: 182 of 1,614,022 alleles (0.011%); highest among the groups gnomAD compares: Non-Finnish European, 0.015%; no homozygotes.

Submission:

Victorian Clinical Genetics Services, Murdoch Childrens Research Institute
Classification: Uncertain significance for Intellectual developmental disorder, autosomal recessive 47. Last evaluated: 2020-05-21. Review status: criteria provided, single submitter. Criteria: ACMG Guidelines, 2015. Collection method: clinical testing. Allele origin: germline. Inheritance: Autosomal recessive inheritance.
Comment: Based on the classification scheme VCGS_Germline_v1.1.1, this variant is classified as 3C-VUS. Following criteria are met: 0102 - Loss-of-function is a known mechanism of disease for this gene. (N) 0106 - This gene is known to be associated with autosomal recessive disease. (N) 0200 - Variant is predicted to result in a missense amino acid change from asparagine to threonine (exon 2). (N) 0251 - Variant is heterozygous. (N) 0304 - Variant is present in gnomAD <0.01 for a recessive condition (6 heterozygotes, 0 homozygotes). (P) 0309 - An alternative amino acid change at the same position has been observed in gnomAD (1 heterozygote, 0 homozygotes). (N) 0503 - Amino acid residue not conserved in mammals and missense variant is a minor amino acid change. (B) 0504 - Same amino acid change has been observed in mammals. (B) 0604 - Variant is not located in an established domain, motif, hotspot or informative constraint region. (N) 0705 - No comparable variants have previous evidence for pathogenicity. (N) 0807 - Variant has not previously been reported in a clinical context. (N) 0905 - No segregation evidence has been identified for this variant. (N) 1007 - No published functional evidence has been identified for this variant. (N) 1208 - Inheritance information for this variant is not currently available. (N) Legend: (P) - Pathogenic, (N) - Neutral, (B) - Benign

NM_020066.5(FMN2):c.1748A>C (p.Asn583Thr)

Gene: FMN2 (formin 2; plus strand). Cytogenetic location: 1q43.
Variant type: single nucleotide variant.
Coding change: c.1748A>C on transcript NM_020066.5 (MANE Select); coding-DNA position 1748, A replaced by C.
Protein change: p.Asn583Thr; replaces asparagine 583 with threonine.
Molecular consequence: missense variant.
Genome position (GRCh38, 1-based): chr1:240,123,311, A>C. VCF-style: chr1-240123311-A-C. GRCh37 (hg19) VCF-style: chr1-240286611-A-C.
Other names: c.1748A>C, p.Asn583Thr (NM_001305424.2, NM_001348094.2); short protein forms N583T.
Identifiers: ClinVar variation 1805480 (VCV001805480.1), dbSNP rs773816611, ClinGen allele CA1476402.
Genomic context (GRCh38, chr1:240,123,311, plus strand): 5'-CCCGGATCATTGCCATGGGTCTTCTCCTTCCTTTTAGTGATTGCTTCAGGGAACCGTGTA[A>C]TCAGAATGCCCAGACGAATGCAGCTTCGTTTGATGTAAGTAGGAGAATTCACTTCTGTCC-3'
Protein context (NP_064450.3, residues 573-593): PFSDCFREPC[Asn583Thr]QNAQTNAASF